The following is an entry in ClinVar:

NM_001367624.2(ZNF469):c.11597G>A (p.Ser3866Asn)

Gene: ZNF469 (zinc finger protein 469; plus strand). Cytogenetic location: 16q24.2.
Variant type: single nucleotide variant.
Coding change: c.11597G>A on transcript NM_001367624.2 (MANE Select); coding-DNA position 11597, G replaced by A.
Protein change: p.Ser3866Asn; replaces serine 3866 with asparagine.
Molecular consequence: missense variant.
Genome position (GRCh38, 1-based): chr16:88,439,067, G>A. VCF-style: chr16-88439067-G-A. GRCh37 (hg19) VCF-style: chr16-88505475-G-A.
Other names: short protein forms S3866N.
Identifiers: ClinVar variation 4810324 (VCV004810324.1).
Genomic context (GRCh38, chr16:88,439,067, plus strand): 5'-GGACCCCTCGGAAGCAGGCAACTCCCAGCCGCGTGCTCCCGACCAAGCCCAAGCCCAACA[G>A]CCAGAACAAACCCAGGCCGCCACCATCAGAGCAGCGGAAGGCAGAGCCGGGCCACACACA-3'
Protein context (NP_001354553.1, residues 3856-3876): RVLPTKPKPN[Ser3866Asn]QNKPRPPPSE

ClinVar aggregate classification (germline): Uncertain significance (1 of 4 stars; one submission).

Submission:

Labcorp Genetics (formerly Invitae), Labcorp
Classification: Uncertain significance. Last evaluated: 2025-04-14. Review status: criteria provided, single submitter. Criteria: Invitae Variant Classification Sherloc (09022015). Collection method: clinical testing. Allele origin: germline.
Comment: This sequence change replaces serine, which is neutral and polar, with asparagine, which is neutral and polar, at codon 3838 of the ZNF469 protein (p.Ser3838Asn). This variant is not present in population databases (gnomAD no frequency). This variant has not been reported in the literature in individuals affected with ZNF469-related conditions. An algorithm developed to predict the effect of missense changes on protein structure and function outputs the following: PolyPhen-2: "Benign". The asparagine amino acid residue is found in multiple mammalian species, which suggests that this missense change does not adversely affect protein function. In summary, the available evidence is currently insufficient to determine the role of this variant in disease. Therefore, it has been classified as a Variant of Uncertain Significance.